The following is an entry in ClinVar:

NM_018136.5(ASPM):c.4135T>C (p.Ser1379Pro)

Gene: ASPM (assembly factor for spindle microtubules; minus strand). Cytogenetic location: 1q31.3.
Variant type: single nucleotide variant.
Coding change: c.4135T>C on transcript NM_018136.5 (MANE Select); coding-DNA position 4135, T replaced by C.
Protein change: p.Ser1379Pro; replaces serine 1379 with proline.
Molecular consequence: missense variant. On other transcripts: intron variant (1).
Genome position (GRCh38, 1-based): chr1:197,105,116, A>G on the plus strand (T>C on the coding strand, the complement: ASPM is on the minus strand). VCF-style: chr1-197105116-A-G. GRCh37 (hg19) VCF-style: chr1-197074246-A-G.
Other names: c.4066-8952T>C (NM_001206846.2); short protein forms S1379P.
Identifiers: ClinVar variation 389374 (VCV000389374.3), dbSNP rs768625023, ClinGen allele CA1309978.

ClinVar aggregate classification (germline): Uncertain significance. Review status: criteria provided, multiple submitters, no conflicts (2 of 4 stars). 2 submissions from 2 submitters: Uncertain significance (2). Last evaluated 2025-08-05.

Conditions:
Inborn genetic diseases. Identifiers: MedGen C0950123, MeSH D030342.

Allele frequency attached by ClinVar (database versions not stated): gnomAD exomes below 0.00001 and 0.00001; ExAC 0.00001; TOPMed 0.00008; gnomAD 0.00009 and 0.00010.

Submissions (2):

Ambry Genetics
Classification: Uncertain significance for Inborn genetic diseases. Last evaluated: 2025-08-05. Review status: criteria provided, single submitter. Criteria: Ambry Variant Classification Scheme 2023. Collection method: clinical testing. Allele origin: germline.

GeneDx
Classification: Uncertain significance. Last evaluated: 2016-09-20. Review status: criteria provided, single submitter. Criteria: GeneDx Variant Classification (06012015). Collection method: clinical testing. Allele origin: germline. Affected: yes.
Comment: A variant of uncertain significance has been identified in the ASPM gene. The S1379P variant has not been published as a pathogenic variant, nor has it been reported as a benign variant to our knowledge. It was not observed in approximately 6,500 individuals of European and African American ancestry in the NHLBI Exome Sequencing Project, indicating it is not a common benign variant in these populations. The S1379P variant is a non-conservative amino acid substitution, which is likely to impact secondary protein structure as these residues differ in polarity, charge, size and/or other properties. In silico analysis predicts this variant is probably damaging to the protein structure/function. However, this substitution occurs at a position that is not conserved. Therefore, based on the currently available information, it is unclear whether this variant is a pathogenic variant or a rare benign variant.